The following is an entry in ClinVar:

ClinVar aggregate classification (germline): Uncertain significance. Review status: criteria provided, multiple submitters, no conflicts (2 of 4 stars). 2 submissions from 2 submitters: Uncertain significance (2). Last evaluated 2022-04-12.

Submissions (2):

GeneDx
Classification: Uncertain significance. Last evaluated: 2022-04-12. Review status: criteria provided, single submitter. Criteria: GeneDx Variant Classification Process June 2021. Collection method: clinical testing. Allele origin: germline. Affected: yes.
Comment: Not observed at significant frequency in large population cohorts (gnomAD); In silico analysis supports that this missense variant has a deleterious effect on protein structure/function; Has not been previously published as pathogenic or benign to our knowledge

Eurofins Ntd Llc (ga)
Classification: Uncertain significance. Last evaluated: 2015-05-05. Review status: criteria provided, single submitter. Criteria: EGL Classification Definitions 2015. Collection method: clinical testing. Allele origin: germline. Observed: 1 variant allele, 1 hemizygote.

NM_001034853.2(RPGR):c.1066T>C (p.Cys356Arg)

Gene: RPGR (retinitis pigmentosa GTPase regulator; minus strand). Cytogenetic location: Xp11.4.
Variant type: single nucleotide variant.
Coding change: c.1066T>C on transcript NM_001034853.2 (MANE Select); coding-DNA position 1066, T replaced by C.
Protein change: p.Cys356Arg; replaces cysteine 356 with arginine.
Molecular consequence: missense variant. On other transcripts: non-coding transcript variant (6), intron variant (2).
Genome position (GRCh38, 1-based): chrX:38,299,135, A>G on the plus strand (T>C on the coding strand, the complement: RPGR is on the minus strand). VCF-style: chrX-38299135-A-G. GRCh37 (hg19) VCF-style: chrX-38158388-A-G.
Other names: c.1066T>C, p.Cys356Arg (NM_000328.3, NM_001367247.1); c.1063T>C, p.Cys355Arg (NM_001367245.1, NM_001367249.1, NM_001367250.1); c.1096T>C, p.Cys366Arg (NM_001367248.1); c.1060-1683T>C (NM_001367251.1, NM_001367246.1); short protein forms C356R, C355R, C366R.
Identifiers: ClinVar variation 193578 (VCV000193578.7), dbSNP rs794726978, ClinGen allele CA239109.